The following is an entry in ClinVar:

ClinVar aggregate classification (germline): Uncertain significance (1 of 4 stars; one submission).

Conditions:
Primary ciliary dyskinesia. Also called: Ciliary dyskinesia. Identifiers: Orphanet 244, MedGen C0008780, MONDO:0016575, HP:0012265.

Allele frequency attached by ClinVar (database versions not stated): gnomAD exomes below 0.00001.
gnomAD v4.1: 1 of 1,494,184 alleles (0.000067%); highest among the groups gnomAD compares: Non-Finnish European, 0.00009%; no homozygotes.

Submission:

Labcorp Genetics (formerly Invitae), Labcorp
Classification: Uncertain significance for Primary ciliary dyskinesia. Last evaluated: 2017-09-24. Review status: criteria provided, single submitter. Criteria: Invitae Variant Classification Sherloc (09022015). Collection method: clinical testing. Allele origin: germline.
Comment: This sequence change replaces aspartic acid with tyrosine at codon 312 of the CCDC39 protein (p.Asp312Tyr). The aspartic acid residue is moderately conserved and there is a large physicochemical difference between aspartic acid and tyrosine. This variant is not present in population databases (ExAC no frequency). This variant has not been reported in the literature in individuals with a CCDC39-related disease. Algorithms developed to predict the effect of missense changes on protein structure and function do not agree on the potential impact of this missense change (SIFT: "Deleterious"; PolyPhen-2: "Probably Damaging"; Align-GVGD: "Class C0"). In summary, the available evidence is currently insufficient to determine the role of this variant in disease. Therefore, it has been classified as a Variant of Uncertain Significance.

NM_181426.2(CCDC39):c.934G>T (p.Asp312Tyr)

Gene: CCDC39 (coiled-coil domain 39 molecular ruler complex subunit; minus strand). Cytogenetic location: 3q26.33.
Variant type: single nucleotide variant.
Coding change: c.934G>T on transcript NM_181426.2 (MANE Select); coding-DNA position 934, G replaced by T.
Protein change: p.Asp312Tyr; replaces aspartic acid 312 with tyrosine.
Molecular consequence: missense variant.
Genome position (GRCh38, 1-based): chr3:180,652,263, C>A on the plus strand (G>T on the coding strand, the complement: CCDC39 is on the minus strand). VCF-style: chr3-180652263-C-A. GRCh37 (hg19) VCF-style: chr3-180370051-C-A.
Other names: short protein forms D312Y.
Identifiers: ClinVar variation 525288 (VCV000525288.9), dbSNP rs1461822875, ClinGen allele CA355299649.